The following is an entry in ClinVar:

NM_000414.4(HSD17B4):c.40dup (p.Val14fs)

Genes: HSD17B4 (hydroxysteroid 17-beta dehydrogenase 4; plus strand), LOC129994460 (ATAC-STARR-seq lymphoblastoid active region 22989; plus strand). Cytogenetic location: 5q23.1.
Variant type: Duplication.
Coding change: c.40dup on transcript NM_000414.4 (MANE Select); coding-DNA position 40, one base duplicated (G; older notation c.40dupG).
Protein change: p.Val14fs; shifts the reading frame from valine 14.
Molecular consequence: frameshift variant. On other transcripts: 5 prime UTR variant (8), non-coding transcript variant (2).
Genome position (GRCh38, 1-based): chr5:119,452,615, G duplicated; the last of 2 consecutive G bases (chr5:119,452,614-119,452,615); duplicating either gives the same sequence. VCF-style (leftmost placement, unchanged base first): chr5-119452613-T-TG. GRCh37 (hg19) VCF-style: chr5-118788308-T-TG.
Other names: c.-139dup (NM_001199291.3); c.40dup, p.Val14fs (NM_001199292.2, NM_001374497.1, NM_001374498.1); c.-98dup (NM_001292027.2); c.-560dup (NM_001292028.2, NM_001374501.1); c.-494dup (NM_001374499.1); c.-687dup (NM_001374500.1); c.-565dup (NM_001374502.1); c.-630dup (NM_001374503.1); short protein forms V14fs.
Identifiers: ClinVar variation 4069521 (VCV004069521.2).

ClinVar aggregate classification (germline): Likely pathogenic (1 of 4 stars; one submission).

Conditions:
Bifunctional peroxisomal enzyme deficiency (DBIF). Also called: DBP DEFICIENCY; PBFE DEFICIENCY; D-bifunctional protein deficiency. Identifiers: Orphanet 300, MedGen C0342870, MONDO:0009855, OMIM 261515. Disease mechanism: loss of function.

Submission:

Natera, Inc.
Classification: Likely pathogenic for Bifunctional peroxisomal enzyme deficiency. Last evaluated: 2025-04-21. Review status: criteria provided, single submitter. Criteria: Natera Variant Classification Schema (03/2026). Collection method: clinical testing. Allele origin: germline.
Comment: The c.40dup variant in HSD17B4 is a frameshift variant predicted to shift the reading frame beginning at codon 14 and leads to a stop codon 27 codons downstream. This variant is expected to result in nonsense mediated decay, truncation, or a dysfunctional protein product. This variant is rare in the general population with a frequency below the threshold expected for the associated phenotype(s). Given the available evidence, this variant is classified as Likely Pathogenic.